The following is an entry in ClinVar:

NM_000352.6(ABCC8):c.2394C>A (p.Tyr798Ter)

Genes: ABCC8 (ATP binding cassette subfamily C member 8; minus strand), LOC110121471 (VISTA enhancer hs1977; plus strand). Cytogenetic location: 11p15.1.
Variant type: single nucleotide variant.
Coding change: c.2394C>A on transcript NM_000352.6 (MANE Select); coding-DNA position 2394, C replaced by A.
Protein change: p.Tyr798Ter; replaces tyrosine 798 with a stop codon.
Molecular consequence: nonsense. On other transcripts: non-coding transcript variant (1).
Genome position (GRCh38, 1-based): chr11:17,413,475, G>T on the plus strand (C>A on the coding strand, the complement: ABCC8 is on the minus strand). VCF-style: chr11-17413475-G-T. GRCh37 (hg19) VCF-style: chr11-17435022-G-T.
Other names: c.2397C>A, p.Tyr799Ter (NM_001287174.3); c.2460C>A, p.Tyr820Ter (NM_001351295.2); c.2394C>A, p.Tyr798Ter (NM_001351296.2); c.2391C>A, p.Tyr797Ter (NM_001351297.2); short protein forms Y797*, Y798*, Y799*, Y820*.
Identifiers: ClinVar variation 5012922 (VCV005012922.1).
Genomic context (GRCh38, chr11:17,413,475, plus strand): 5'-GTCTCCATGGGGCAGGATGTCGATGTCTGGCTGCAGAGAGCAGGCTTCAATGACCATCTT[G>T]TACCTGGCGTGGGTAGAGGCAGGGGATGCAGCTGGTCAGCCTGGTCAGAGTTGGCCCGAG-3'

ClinVar aggregate classification (germline): Pathogenic (1 of 4 stars; one submission).

Conditions:
Hyperinsulinemic hypoglycemia, familial, 1 (HHF1). Also called: HYPERINSULINISM, FAMILIAL, WITH PANCREATIC NESIDIOBLASTOSIS; HYPOGLYCEMIA, HYPERINSULINEMIC, OF INFANCY; NESIDIOBLASTOSIS OF PANCREAS; Persistent Hyperinsulinemia Hypoglycemia of Infancy; Persistent hyperinsulinemic hypoglycemia of infancy. Identifiers: Orphanet 276575, Orphanet 276598, MedGen C2931832, MONDO:0009734, OMIM 256450.

Submission:

Myriad Genetics, Inc.
Classification: Pathogenic for Hyperinsulinemic hypoglycemia, familial, 1. Last evaluated: 2023-08-20. Review status: criteria provided, single submitter. Criteria: Myriad Autosomal Dominant, Autosomal Recessive and X-Linked Classification Criteria (2023). Collection method: clinical testing. Allele origin: unknown.
Comment: NM_000352.3(ABCC8):c.2394C>A(Y798*) is expected to be pathogenic in the context of familial hyperinsulinism, ABCC8-related. This variant is predicted to lead to an abnormal or absent protein product due to the creation of a premature termination codon in ABCC8, a gene where loss-of-function variants are known to be pathogenic. Please note: this variant was assessed in the context of healthy population screening.